The following is an entry in ClinVar:

NM_024422.6(DSC2):c.572A>G (p.Asp191Gly)

Gene: DSC2 (desmocollin 2; minus strand). Cytogenetic location: 18q12.1.
Variant type: single nucleotide variant.
Coding change: c.572A>G on transcript NM_024422.6 (MANE Select); coding-DNA position 572, A replaced by G.
Protein change: p.Asp191Gly; replaces aspartic acid 191 with glycine.
Molecular consequence: missense variant.
Genome position (GRCh38, 1-based): chr18:31,089,497, T>C on the plus strand (A>G on the coding strand, the complement: DSC2 is on the minus strand). VCF-style: chr18-31089497-T-C. GRCh37 (hg19) VCF-style: chr18-28669460-T-C.
Other names: c.572A>G, p.Asp191Gly (NM_004949.5); short protein forms D191G.
Identifiers: ClinVar variation 1311229 (VCV001311229.2), dbSNP rs2144838855, ClinGen allele CA402113560.

ClinVar aggregate classification (germline): Uncertain significance (1 of 4 stars; one submission).

Submission:

GeneDx
Classification: Uncertain significance. Last evaluated: 2019-12-17. Review status: criteria provided, single submitter. Criteria: GeneDx Variant Classification Process June 2021. Collection method: clinical testing. Allele origin: germline. Affected: yes.
Comment: Has not been previously published as pathogenic or benign to our knowledge; Not observed in large population cohorts (Lek et al., 2016); In silico analysis, which includes protein predictors and evolutionary conservation, supports a deleterious effect